The following is an entry in ClinVar:

NM_000478.6(ALPL):c.107C>T (p.Thr36Ile)

Gene: ALPL (alkaline phosphatase, biomineralization associated; plus strand). Cytogenetic location: 1p36.12.
Variant type: single nucleotide variant.
Coding change: c.107C>T on transcript NM_000478.6 (MANE Select); coding-DNA position 107, C replaced by T.
Protein change: p.Thr36Ile; replaces threonine 36 with isoleucine.
Molecular consequence: missense variant. On other transcripts: 5 prime UTR variant (2).
Genome position (GRCh38, 1-based): chr1:21,560,671, C>T. VCF-style: chr1-21560671-C-T. GRCh37 (hg19) VCF-style: chr1-21887164-C-T.
Other names: c.-59C>T (NM_001127501.4); c.-9C>T (NM_001177520.3); c.107C>T, p.Thr36Ile (NM_001369803.2, NM_001369804.2, NM_001369805.2); short protein forms T36I.
Identifiers: ClinVar variation 295541 (VCV000295541.8), dbSNP rs199952414, ClinGen allele CA10609815.

ClinVar aggregate classification (germline): Conflicting classifications of pathogenicity. Review status: criteria provided, conflicting classifications (1 of 4 stars). 3 submissions from 3 submitters: Likely pathogenic (1); Uncertain significance (2). Last evaluated 2026-09-01.

Conditions:
Hypophosphatasia. Also called: Phosphoethanol-aminuria. Identifiers: Orphanet 436, MedGen C0020630, MeSH D007014, MONDO:0018570.

Allele frequency attached by ClinVar (database versions not stated): gnomAD exomes below 0.00001; gnomAD 0.00001; 1000 Genomes Project 30x 0.00016; 1000 Genomes Project 0.00020.
gnomAD v4.1: 1 of 1,614,142 alleles (0.000062%); highest among the groups gnomAD compares: East Asian, 0.0022%; no homozygotes.

Submissions (3):

Genomenon, Inc
Classification: Uncertain significance for Hypophosphatasia. Last evaluated: 2026-09-01. Review status: criteria provided, single submitter. Criteria: Genomenon Sequence Variant Interpretation Standards - Updated. Collection method: curation. Allele origin: germline. Affected: no.
Comment: ALPL p.Thr36Ile (c.107C>T) is a missense variant that changes the amino acid at codon 36 from Threonine to Isoleucine. This variant has been reported in the published literature (PMID:32160374). The presence of pathogenic/likely pathogenic missense variant(s) at the same amino acid position indicates that this residue is likely important for protein function. It is absent or not present at a significant frequency in gnomAD. In conclusion, we classify ALPL p.Thr36Ile (c.107C>T) as a variant of uncertain significance.

Labcorp Genetics (formerly Invitae), Labcorp
Classification: Likely pathogenic. Last evaluated: 2024-02-16. Review status: criteria provided, single submitter. Criteria: Invitae Variant Classification Sherloc (09022015). Collection method: clinical testing. Allele origin: germline.
Comment: This sequence change replaces threonine, which is neutral and polar, with isoleucine, which is neutral and non-polar, at codon 36 of the ALPL protein (p.Thr36Ile). This variant is not present in population databases (gnomAD no frequency). This variant has not been reported in the literature in individuals affected with ALPL-related conditions. ClinVar contains an entry for this variant (Variation ID: 295541). Advanced modeling of protein sequence and biophysical properties (such as structural, functional, and spatial information, amino acid conservation, physicochemical variation, residue mobility, and thermodynamic stability) performed at Invitae indicates that this missense variant is expected to disrupt ALPL protein function with a positive predictive value of 95%. This variant disrupts the p.Thr36 amino acid residue in ALPL. Other variant(s) that disrupt this residue have been determined to be pathogenic (PMID: 32160374, 32973344). This suggests that this residue is clinically significant, and that variants that disrupt this residue are likely to be disease-causing. In summary, the currently available evidence indicates that the variant is pathogenic, but additional data are needed to prove that conclusively. Therefore, this variant has been classified as Likely Pathogenic.

Illumina Laboratory Services, Illumina
Classification: Uncertain significance for Hypophosphatasia. Last evaluated: 2018-01-13. Review status: criteria provided, single submitter. Criteria: ICSL Variant Classification Criteria 13 December 2019. Collection method: clinical testing. Allele origin: germline.

Literature cited by the submitters: PubMed 32160374 (cited by Genomenon, Inc and Labcorp Genetics (formerly Invitae), Labcorp); PubMed 32973344 (cited by Labcorp Genetics (formerly Invitae), Labcorp).